The following is an entry in ClinVar:

NM_000044.6(AR):c.1370GCG[9] (p.Gly466_Gly473del)

Gene: AR (androgen receptor; plus strand). Cytogenetic location: Xq12.
Variant type: Microsatellite.
Coding change: c.1370GCG[9] on transcript NM_000044.6 (MANE Select); nine copies in a row of the 3-base unit GCG starting at c.1370; the reference has 17 copies in a row; eight copies, 24 bases deleted.
Protein change: p.Gly466_Gly473del.
Molecular consequence: inframe deletion. On other transcripts: 5 prime UTR variant (1).
Genome position (GRCh38, 1-based): chrX:67,546,543-67,546,566, GCGGCGGCGGCGGCGGCGGCGGCG deleted; deleting any 24 consecutive bases within chrX:67,546,515-67,546,566 gives the same sequence; the position shown is the placement nearest the transcript's 3' end. VCF-style (leftmost placement, unchanged base first): chrX-67546514-TGGCGGCGGCGGCGGCGGCGGCGGC-T. GRCh37 (hg19) VCF-style: chrX-66766356-TGGCGGCGGCGGCGGCGGCGGCGGC-T.
Other names: c.1397_1420del24 (NM_000044.3); c.-414GCG[9] (NM_001011645.3); c.1370GCG[9], p.Gly466_Gly473del (NM_001348061.1, NM_001348063.1, NM_001348064.1).
Identifiers: ClinVar variation 1167648 (VCV001167648.11), dbSNP rs746853821, ClinGen allele CA642472710.
Genomic context (GRCh38, chrX:67,546,514, plus strand): 5'-CACTCTCTTCACAGCCGAAGAAGGCCAGTTGTATGGACCGTGTGGTGGTGGTGGGGGTGG[TGGCGGCGGCGGCGGCGGCGGCGGC>T]GGCGGCGGCGGCGGCGGCGGCGGCGGCGAGGCGGGAGCTGTAGCCCCCTACGGCTACACT-3'

ClinVar aggregate classification (germline): Benign. Review status: criteria provided, single submitter (1 of 4 stars). 2 submissions from 2 submitters: Benign (1). 1 of the submissions does not count toward it. Last evaluated 2025-11-29.

Conditions:
Androgen resistance syndrome (AIS). Also called: Androgen insensitivity, complete; DHTR DEFICIENCY; ANDROGEN RECEPTOR DEFICIENCY; DIHYDROTESTOSTERONE RECEPTOR DEFICIENCY; Androgen insensitivity; TESTICULAR FEMINIZATION SYNDROME. Identifiers: Orphanet 754, Orphanet 99429, MedGen C0039585, MONDO:0019154, OMIM 300068. Disease mechanism: loss of function.
Kennedy disease (SMAX1). Also called: SPINAL AND BULBAR MUSCULAR ATROPHY, X-LINKED 1; KENNEDY SPINAL AND BULBAR MUSCULAR ATROPHY; Spinal and Bulbar Muscular Atrophy. Identifiers: Orphanet 481, MedGen C1839259, MONDO:0010735, OMIM 313200.
AR-related disorder. Also called: AR-related condition.

Submissions (2):

Labcorp Genetics (formerly Invitae), Labcorp
Classification: Benign for Kennedy disease; Androgen resistance syndrome. Last evaluated: 2025-11-29. Review status: criteria provided, single submitter. Criteria: Invitae Variant Classification Sherloc (09022015). Collection method: clinical testing. Allele origin: germline.

PreventionGenetics, part of Exact Sciences
Classification: Benign for AR-related condition. Last evaluated: 2019-09-26. Review status: no assertion criteria provided. Collection method: clinical testing. Allele origin: germline. Not counted in ClinVar's aggregate classification.
Comment: This variant is classified as benign based on ACMG/AMP sequence variant interpretation guidelines (Richards et al. 2015 PMID: 25741868, with internal and published modifications).